The following is an entry in ClinVar:

ClinVar aggregate classification (germline): Uncertain significance (1 of 4 stars; one submission).

Conditions:
Cardiomyopathy (CMYO). Also called: Cardiomyopathies. Identifiers: Orphanet 167848, MedGen C0878544, MONDO:0004994, HP:0001638. Inheritance: Various modes of inheritance.

Allele frequency attached by ClinVar (database versions not stated): gnomAD exomes below 0.00001.
gnomAD v4.1: 1 of 1,613,982 alleles (0.000062%); highest among the groups gnomAD compares: East Asian, 0.0022%; no homozygotes.

Submission:

All of Us Research Program, National Institutes of Health
Classification: Uncertain significance for Cardiomyopathy. Last evaluated: 2023-03-28. Review status: criteria provided, single submitter. Criteria: ACMG Guidelines, 2015. Collection method: clinical testing. Allele origin: germline. Inheritance: Autosomal dominant inheritance. Observed: 1 variant allele, 1 heterozygote.
Comment: This study involves interpretation of variants in research participants for the purpose of population health screening. Participant phenotype was not available at the time of variant classification. Additional details can be found in publication PMID: 35346344, PMCID: PMC8962531

NM_000257.4(MYH7):c.10T>A (p.Ser4Thr)

Gene: MYH7 (myosin heavy chain 7; minus strand). Cytogenetic location: 14q11.2.
Variant type: single nucleotide variant.
Coding change: c.10T>A on transcript NM_000257.4 (MANE Select); coding-DNA position 10, T replaced by A.
Protein change: p.Ser4Thr; replaces serine 4 with threonine.
Molecular consequence: missense variant.
Genome position (GRCh38, 1-based): chr14:23,433,723, A>T on the plus strand (T>A on the coding strand, the complement: MYH7 is on the minus strand). VCF-style: chr14-23433723-A-T. GRCh37 (hg19) VCF-style: chr14-23902932-A-T.
Other names: c.10T>A, p.Ser4Thr (NM_001407004.1); short protein forms S4T.
Identifiers: ClinVar variation 3070017 (VCV003070017.1), dbSNP rs1416852795, ClinGen allele CA389054235.
Genomic context (GRCh38, chr14:23,433,723, plus strand): 5'-GCCGCTCCTTCTCTGACTTGCGCAGGTAGGGGGCGGCAGCCCCAAAGACTGCCATCTCCG[A>T]ATCTCCCATGGCTGTGCCTGGAGTGAGCAGAAGCTGGCTGCCCTCCCATCTGCCCATTCT-3'
Protein context (NP_000248.2, residues 1-14): MGD[Ser4Thr]EMAVFGAAAP